The following is an entry in ClinVar:

NM_001205293.3(CACNA1E):c.3970G>C (p.Asp1324His)

Gene: CACNA1E (calcium voltage-gated channel subunit alpha1 E; plus strand). Cytogenetic location: 1q25.3.
Variant type: single nucleotide variant.
Coding change: c.3970G>C on transcript NM_001205293.3 (MANE Select); coding-DNA position 3970, G replaced by C.
Protein change: p.Asp1324His; replaces aspartic acid 1324 with histidine.
Molecular consequence: missense variant.
Genome position (GRCh38, 1-based): chr1:181,755,378, G>C. VCF-style: chr1-181755378-G-C. GRCh37 (hg19) VCF-style: chr1-181724514-G-C.
Other names: c.3970G>C, p.Asp1324His (NM_000721.4); c.3913G>C, p.Asp1305His (NM_001205294.2); short protein forms D1305H, D1324H.
Identifiers: ClinVar variation 3067773 (VCV003067773.21), dbSNP rs971399875, ClinGen allele CA343623398.

ClinVar aggregate classification (germline): Uncertain significance (1 of 4 stars; one submission).

Submission:

CeGaT Center for Human Genetics Tuebingen
Classification: Uncertain significance. Last evaluated: 2024-03-01. Review status: criteria provided, single submitter. Criteria: CeGaT Center For Human Genetics Tuebingen Variant Classification Criteria Version 2. Collection method: clinical testing. Allele origin: germline. Affected: yes. Observed: 1 variant allele.
Comment: CACNA1E: PM2, PP2, PP3